The following is an entry in ClinVar:

ClinVar aggregate classification (germline): Pathogenic (1 of 4 stars; one submission).

Conditions:
Distal arthrogryposis type 5D (DA5D). Identifiers: Orphanet 329457, MedGen C3554415, MONDO:0014028, OMIM 615065.

Submission:

3billion
Classification: Pathogenic for Distal arthrogryposis type 5D. Last evaluated: 2023-02-23. Review status: criteria provided, single submitter. Criteria: ACMG Guidelines, 2015. Collection method: clinical testing. Allele origin: unknown. Affected: yes.
Comment: The variant is not observed in the gnomAD v2.1.1 dataset. This variant was predicted to result in a loss or disruption of normal protein function through nonsense-mediated decay (NMD) or protein truncation. Multiple pathogenic variants are reported downstream of the variant. The homozygous variant has been reported to be associated with ECEL1-related disorder (3billion dataset). Therefore, this variant is classified as Pathogenic according to the recommendation of ACMG/AMP guideline.

NM_004826.4(ECEL1):c.1042del (p.Gln348fs)

Gene: ECEL1 (endothelin converting enzyme like 1; minus strand). Cytogenetic location: 2q37.1.
Variant type: Deletion.
Coding change: c.1042del on transcript NM_004826.4 (MANE Select); coding-DNA position 1042, one base deleted (C; older notation c.1042delC).
Protein change: p.Gln348fs; shifts the reading frame from glutamine 348.
Molecular consequence: frameshift variant.
Genome position (GRCh38, 1-based): chr2:232,484,818, G deleted on the plus strand (C on the coding strand, the reverse complement: ECEL1 is on the minus strand). VCF-style (leftmost placement, unchanged base first): chr2-232484817-TG-T. GRCh37 (hg19) VCF-style: chr2-233349527-TG-T.
Other names: c.1042del, p.Gln348fs (NM_001290787.2); short protein forms Q348fs.
Identifiers: ClinVar variation 2444189 (VCV002444189.1), dbSNP rs2469647888, ClinGen allele CA2580066046.